The following is an entry in ClinVar:

NM_198129.4(LAMA3):c.9511+1G>T

Gene: LAMA3 (laminin subunit alpha 3; plus strand). Cytogenetic location: 18q11.2.
Variant type: single nucleotide variant.
Coding change: c.9511+1G>T on transcript NM_198129.4 (MANE Select); the canonical splice donor site of the intron after coding-DNA position 9511, G replaced by T.
Molecular consequence: splice donor variant.
Genome position (GRCh38, 1-based): chr18:23,949,925, G>T. VCF-style: chr18-23949925-G-T. GRCh37 (hg19) VCF-style: chr18-21529889-G-T.
Other names: c.9343+1G>T (NM_001127717.4); c.4684+1G>T (NM_000227.6); c.4516+1G>T (NM_001127718.4).
Identifiers: ClinVar variation 2829847 (VCV002829847.3), dbSNP rs1296034886, ClinGen allele CA402051860.

ClinVar aggregate classification (germline): Pathogenic (1 of 4 stars; one submission).

Submission:

Labcorp Genetics (formerly Invitae), Labcorp
Classification: Pathogenic. Last evaluated: 2023-01-18. Review status: criteria provided, single submitter. Criteria: Invitae Variant Classification Sherloc (09022015). Collection method: clinical testing. Allele origin: germline.
Comment: Studies have shown that disruption of this splice site is associated with altered splicing resulting in multiple RNA products (PMID: 11810295, 27827380). For these reasons, this variant has been classified as Pathogenic. Disruption of this splice site has been observed in individual(s) with junctional epidermolysis bullosa (PMID: 11810295, 17362460, 27827380). In at least one individual the data is consistent with being in trans (on the opposite chromosome) from a pathogenic variant. This variant is not present in population databases (gnomAD no frequency). This sequence change affects a donor splice site in intron 34 of the LAMA3 gene. It is expected to disrupt RNA splicing. Variants that disrupt the donor or acceptor splice site typically lead to a loss of protein function (PMID: 16199547), and loss-of-function variants in LAMA3 are known to be pathogenic (PMID: 10366601, 11810295, 12915477, 16473856, 17362460, 22434185, 23869449, 27827380, 28087116).

Literature cited by the submitters: PubMed 11810295; PubMed 27827380; PubMed 17362460; PubMed 16199547; PubMed 10366601; PubMed 12915477; PubMed 16473856; PubMed 22434185; PubMed 23869449; PubMed 28087116.